The following is an entry in ClinVar:

NM_001165963.4(SCN1A):c.698T>G (p.Leu233Arg)

Gene: SCN1A (sodium voltage-gated channel alpha subunit 1; minus strand). Cytogenetic location: 2q24.3.
Variant type: single nucleotide variant.
Coding change: c.698T>G on transcript NM_001165963.4 (MANE Select); coding-DNA position 698, T replaced by G.
Protein change: p.Leu233Arg; replaces leucine 233 with arginine.
Molecular consequence: missense variant. On other transcripts: 5 prime UTR variant (1), non-coding transcript variant (1).
Genome position (GRCh38, 1-based): chr2:166,051,985, A>C on the plus strand (T>G on the coding strand, the complement: SCN1A is on the minus strand). VCF-style: chr2-166051985-A-C. GRCh37 (hg19) VCF-style: chr2-166908495-A-C.
Other names: c.698T>G, p.Leu233Arg (NM_001165964.3, NM_001202435.3, NM_001353948.2 and 10 more transcripts); c.-1728T>G (NM_001353961.2); short protein forms L233R.
Identifiers: ClinVar variation 4072712 (VCV004072712.1).
Genomic context (GRCh38, chr2:166,051,985, plus strand): 5'-AGGATCATTACATCTGAGAGCTTCTTCACAGACTGGATCAGGGCTCCCACAATGGTTTTC[A>C]GGCCTGAAAGAAAGAAGTCTATTACTATGAAGACTTAACACGTGTGAAATAATAAAAGCT-3'
Protein context (NP_001159435.1, residues 223-243): ALKTISVIPG[Leu233Arg]KTIVGALIQS

ClinVar aggregate classification (germline): Pathogenic (1 of 4 stars; one submission).

Submission:

GeneDx
Classification: Pathogenic. Last evaluated: 2025-01-28. Review status: criteria provided, single submitter. Criteria: GeneDx Variant Classification Process June 2021. Collection method: clinical testing. Allele origin: germline. Affected: yes.
Comment: Not observed at significant frequency in large population cohorts (gnomAD); In silico analysis supports that this missense variant has a deleterious effect on protein structure/function; This substitution is predicted to be within the intracellular loop between the S4 and S5 transmembrane segments of the first homologous domain; This variant is associated with the following publications: (PMID: 32090326, 35074891, 21248271)